The following is an entry in ClinVar:

NM_002470.4(MYH3):c.3031C>G (p.Leu1011Val)

Gene: MYH3 (myosin heavy chain 3; minus strand). Cytogenetic location: 17p13.1.
Variant type: single nucleotide variant.
Coding change: c.3031C>G on transcript NM_002470.4 (MANE Select); coding-DNA position 3031, C replaced by G.
Protein change: p.Leu1011Val; replaces leucine 1011 with valine.
Molecular consequence: missense variant.
Genome position (GRCh38, 1-based): chr17:10,639,369, G>C on the plus strand (C>G on the coding strand, the complement: MYH3 is on the minus strand). VCF-style: chr17-10639369-G-C. GRCh37 (hg19) VCF-style: chr17-10542686-G-C.
Other names: short protein forms L1011V.
Identifiers: ClinVar variation 4699886 (VCV004699886.1).

ClinVar aggregate classification (germline): Uncertain significance (1 of 4 stars; one submission).

gnomAD v4.1: 4 of 1,614,030 alleles (0.00025%); highest among the groups gnomAD compares: Non-Finnish European, 0.00017%; no homozygotes.

Submission:

Labcorp Genetics (formerly Invitae), Labcorp
Classification: Uncertain significance. Last evaluated: 2025-08-29. Review status: criteria provided, single submitter. Criteria: Invitae Variant Classification Sherloc (09022015). Collection method: clinical testing. Allele origin: germline.
Comment: This sequence change replaces leucine, which is neutral and non-polar, with valine, which is neutral and non-polar, at codon 1011 of the MYH3 protein (p.Leu1011Val). This variant is not present in population databases (gnomAD no frequency). This variant has not been reported in the literature in individuals affected with MYH3-related conditions. Invitae Evidence Modeling of protein sequence and biophysical properties (such as structural, functional, and spatial information, amino acid conservation, physicochemical variation, residue mobility, and thermodynamic stability) has been performed for this missense variant. However, the output from this modeling did not meet the statistical confidence thresholds required to predict the impact of this variant on MYH3 protein function. In summary, the available evidence is currently insufficient to determine the role of this variant in disease. Therefore, it has been classified as a Variant of Uncertain Significance.